The following is an entry in ClinVar:

ClinVar aggregate classification (germline): Uncertain significance (1 of 4 stars; one submission).

Conditions:
Zellweger spectrum disorders (ZS). Also called: Zellweger Spectrum Disorder; Zellweger Spectrum; Zellweger syndrome; Zellweger Spectrum Disorder (ZSD). Identifiers: Orphanet 912, MedGen C0043459, MONDO:0019609.

Allele frequency attached by ClinVar (database versions not stated): gnomAD exomes below 0.00001.
gnomAD v4.1: 2 of 1,613,608 alleles (0.00012%); highest among the groups gnomAD compares: Non-Finnish European, 0.00017%; no homozygotes.

Submission:

Labcorp Genetics (formerly Invitae), Labcorp
Classification: Uncertain significance for Zellweger spectrum disorders. Last evaluated: 2022-02-24. Review status: criteria provided, single submitter. Criteria: Invitae Variant Classification Sherloc (09022015). Collection method: clinical testing. Allele origin: germline.
Comment: This sequence change replaces glutamic acid, which is acidic and polar, with glycine, which is neutral and non-polar, at codon 698 of the PEX1 protein (p.Glu698Gly). This variant is not present in population databases (gnomAD no frequency). This variant has not been reported in the literature in individuals affected with PEX1-related conditions. ClinVar contains an entry for this variant (Variation ID: 1023039). Advanced modeling of protein sequence and biophysical properties (such as structural, functional, and spatial information, amino acid conservation, physicochemical variation, residue mobility, and thermodynamic stability) performed at Invitae indicates that this missense variant is not expected to disrupt PEX1 protein function. In summary, the available evidence is currently insufficient to determine the role of this variant in disease. Therefore, it has been classified as a Variant of Uncertain Significance.

NM_000466.3(PEX1):c.2093A>G (p.Glu698Gly)

Gene: PEX1 (peroxisomal biogenesis factor 1; minus strand). Cytogenetic location: 7q21.2.
Variant type: single nucleotide variant.
Coding change: c.2093A>G on transcript NM_000466.3 (MANE Select); coding-DNA position 2093, A replaced by G.
Protein change: p.Glu698Gly; replaces glutamic acid 698 with glycine.
Molecular consequence: missense variant.
Genome position (GRCh38, 1-based): chr7:92,503,174, T>C on the plus strand (A>G on the coding strand, the complement: PEX1 is on the minus strand). VCF-style: chr7-92503174-T-C. GRCh37 (hg19) VCF-style: chr7-92132488-T-C.
Other names: c.1922A>G, p.Glu641Gly (NM_001282677.2); c.1469A>G, p.Glu490Gly (NM_001282678.2); short protein forms E490G, E641G, E698G.
Identifiers: ClinVar variation 1023039 (VCV001023039.6), dbSNP rs1792018002, ClinGen allele CA368182121.